The following is an entry in ClinVar:

NM_000169.3(GLA):c.639+739C>T

Genes: GLA (galactosidase alpha; minus strand), RPL36A-HNRNPH2 (RPL36A-HNRNPH2 readthrough; plus strand). Cytogenetic location: Xq22.1.
Variant type: single nucleotide variant.
Coding change: c.639+739C>T on transcript NM_000169.3 (MANE Select); 739 bases into the intron after coding-DNA position 639, C replaced by T.
Molecular consequence: intron variant.
Genome position (GRCh38, 1-based): chrX:101,399,927, G>A on the plus strand (C>T on the coding strand, the complement: GLA is on the minus strand). VCF-style: chrX-101399927-G-A. GRCh37 (hg19) VCF-style: chrX-100654915-G-A.
Other names: c.300+4470G>A (NM_001199973.2); c.177+8105G>A (NM_001199974.2); c.762+739C>T (NM_001406747.1); c.639+739C>T (NM_001406748.1).
Identifiers: ClinVar variation 677281 (VCV000677281.3), dbSNP rs146083243, ClinGen allele CA352404.
Genomic context (GRCh38, chrX:101,399,927, plus strand): 5'-TTAGAGAAGAACTGTCTGCATATGTGGCGTTTGGTCTGCGACTTCAATGTTAAGGAGCCC[G>A]GCCCTTTAAAAATCTTTGGGGAAGAACTGTTCTAGGCAGAAAAAAAGCAAGTGTAAAGGC-3'

ClinVar aggregate classification (germline): Benign. Review status: criteria provided, multiple submitters, no conflicts (2 of 4 stars). 2 submissions from 2 submitters: Benign (2). Last evaluated 2026-09-08.

Conditions:
Fabry disease. Also called: Fabry's disease; ALPHA-GALACTOSIDASE A DEFICIENCY; ANDERSON-FABRY DISEASE; CERAMIDE TRIHEXOSIDASE DEFICIENCY; GLA DEFICIENCY; Ceramide trihexosidosis. Identifiers: Orphanet 324, MedGen C0002986, MONDO:0010526, OMIM 301500, HP:0001071. Disease mechanism: loss of function, Fabry disease is due to inactivating mutations in the X-linked GLA gene resulting in deficiency of the enzyme Alpha Galactosidase-A..

Allele frequency attached by ClinVar (database versions not stated): gnomAD 0.01891 and 0.01996; TOPMed 0.02182; 1000 Genomes Project 0.02305; 1000 Genomes Project 30x 0.02352.

Submissions (2):

Genomenon, Inc
Classification: Benign for Fabry disease. Last evaluated: 2026-09-08. Review status: criteria provided, single submitter. Criteria: Genomenon Sequence Variant Interpretation Standards - Updated. Collection method: curation. Allele origin: germline. Affected: no.
Comment: GLA c.639+739C>T is an intronic variant located in intron 4. This variant is present at high allele frequency in population databases. We classify GLA c.639+739C>T as a benign variant.

GeneDx
Classification: Benign. Last evaluated: 2018-06-16. Review status: criteria provided, single submitter. Criteria: GeneDx Variant Classification (06012015). Collection method: clinical testing. Allele origin: germline. Affected: yes.
Comment: This variant is considered likely benign or benign based on one or more of the following criteria: it is a conservative change, it occurs at a poorly conserved position in the protein, it is predicted to be benign by multiple in silico algorithms, and/or has population frequency not consistent with disease.